The following is an entry in ClinVar:

NM_000053.4(ATP7B):c.3160A>C (p.Arg1054=)

Gene: ATP7B (ATPase copper transporting beta; minus strand). Cytogenetic location: 13q14.3.
Variant type: single nucleotide variant.
Coding change: c.3160A>C on transcript NM_000053.4 (MANE Select); coding-DNA position 3160, A replaced by C.
Protein change: p.Arg1054=; no amino-acid change (arginine 1054 retained).
Molecular consequence: synonymous variant.
Genome position (GRCh38, 1-based): chr13:51,944,192, T>G on the plus strand (A>C on the coding strand, the complement: ATP7B is on the minus strand). VCF-style: chr13-51944192-T-G. GRCh37 (hg19) VCF-style: chr13-52518328-T-G.
Other names: p.Arg1054=; c.2539A>C, p.Arg847= (NM_001005918.3); c.2827A>C, p.Arg943= (NM_001243182.2); c.2926A>C, p.Arg976= (NM_001330578.2); c.2908A>C, p.Arg970= (NM_001330579.2).
Identifiers: ClinVar variation 388652 (VCV000388652.59), dbSNP rs377586515, ClinGen allele CA6988791.

ClinVar aggregate classification (germline): Conflicting classifications of pathogenicity. Review status: criteria provided, conflicting classifications (1 of 4 stars). 10 submissions from 10 submitters: Uncertain significance (1); Likely benign (9). Last evaluated 2026-04-01.

Conditions:
Wilson disease (WND). Also called: Wilson's disease. Identifiers: Orphanet 905, MedGen C0019202, MONDO:0010200, OMIM 277900. Disease mechanism: loss of function.
Inborn genetic diseases. Identifiers: MedGen C0950123, MeSH D030342.

Allele frequency attached by ClinVar (database versions not stated): gnomAD 0.00006 and 0.00007; TOPMed 0.00006; ESP Exome Variant Server 0.00008.
gnomAD v4.1: 117 of 1,614,012 alleles (0.0072%); highest among the groups gnomAD compares: Middle Eastern, 0.16%; no homozygotes.

Submissions (10):

CeGaT Center for Human Genetics Tuebingen
Classification: Likely benign. Last evaluated: 2026-04-01. Review status: criteria provided, single submitter. Criteria: CeGaT Center For Human Genetics Tuebingen Variant Classification Criteria Version 2. Collection method: clinical testing. Allele origin: germline. Affected: yes. Observed: 8 variant alleles.
Comment: ATP7B: BP4, BP7

Labcorp Genetics (formerly Invitae), Labcorp
Classification: Likely benign for Wilson disease. Last evaluated: 2026-01-25. Review status: criteria provided, single submitter. Criteria: Invitae Variant Classification Sherloc (09022015). Collection method: clinical testing. Allele origin: germline.

Mayo Clinic Laboratories, Mayo Clinic
Classification: Likely benign. Last evaluated: 2025-08-22. Review status: criteria provided, single submitter. Criteria: ACMG Guidelines, 2015. Collection method: clinical testing. Allele origin: germline. Observed: 1 variant allele.
Comment: BP4, BP7

Blueprint Genetics
Classification: Likely benign. Last evaluated: 2024-11-20. Review status: criteria provided, single submitter. Criteria: ACMG Guidelines, 2015. Collection method: clinical testing. Allele origin: germline.

All of Us Research Program, National Institutes of Health
Classification: Likely benign for Wilson disease. Last evaluated: 2024-02-05. Review status: criteria provided, single submitter. Criteria: ACMG Guidelines, 2015. Collection method: clinical testing. Allele origin: germline. Inheritance: Autosomal recessive inheritance. Observed: 25 variant alleles, 25 heterozygotes.
Comment: This study involves interpretation of variants in research participants for the purpose of population health screening. Participant phenotype was not available at the time of variant classification. Additional details can be found in publication PMID: 35346344, PMCID: PMC8962531

Ambry Genetics
Classification: Likely benign for Inborn genetic diseases. Last evaluated: 2023-08-07. Review status: criteria provided, single submitter. Criteria: Ambry Variant Classification Scheme 2023. Collection method: clinical testing. Allele origin: germline.

Color Diagnostics, LLC DBA Color Health
Classification: Likely benign for Wilson disease. Last evaluated: 2022-08-05. Review status: criteria provided, single submitter. Criteria: ACMG Guidelines, 2015. Collection method: clinical testing. Allele origin: germline.

Genome-Nilou Lab
Classification: Likely benign for Wilson disease. Last evaluated: 2021-08-10. Review status: criteria provided, single submitter. Criteria: ACMG Guidelines, 2015. Collection method: clinical testing. Allele origin: germline. Affected: no.

GeneDx
Classification: Likely benign. Last evaluated: 2021-02-09. Review status: criteria provided, single submitter. Criteria: GeneDx Variant Classification Process June 2021. Collection method: clinical testing. Allele origin: germline. Affected: yes.
Comment: This variant is associated with the following publications: (PMID: 10544227)

Illumina Laboratory Services, Illumina
Classification: Uncertain significance for Wilson disease. Last evaluated: 2018-01-13. Review status: criteria provided, single submitter. Criteria: ICSL Variant Classification Criteria 13 December 2019. Collection method: clinical testing. Allele origin: germline.